The following is an entry in ClinVar:

ClinVar aggregate classification (germline): Uncertain significance. Review status: criteria provided, multiple submitters, no conflicts (2 of 4 stars). 5 submissions from 5 submitters: Uncertain significance (5). Last evaluated 2026-06-04.

Conditions:
Cardiovascular phenotype. Identifiers: MedGen CN230736.
Cardiomyopathy (CMYO). Also called: Cardiomyopathies. Identifiers: Orphanet 167848, MedGen C0878544, MONDO:0004994, HP:0001638. Inheritance: Various modes of inheritance.
Hypertrophic cardiomyopathy. Also called: HYPERTROPHIC MYOCARDIOPATHY. Identifiers: Orphanet 217569, MedGen C0007194, MeSH D002312, MONDO:0005045, HP:0001639.

Allele frequency attached by ClinVar (database versions not stated): gnomAD exomes below 0.00001.

Submissions (5):

Ambry Genetics
Classification: Uncertain significance for Cardiovascular phenotype. Last evaluated: 2026-06-04. Review status: criteria provided, single submitter. Criteria: Ambry Variant Classification Scheme 2023. Collection method: clinical testing. Allele origin: germline.
Comment: The p.E1239G variant (also known as c.3716A>G), located in coding exon 33 of the MYBPC3 gene, results from an A to G substitution at nucleotide position 3716. The glutamic acid at codon 1239 is replaced by glycine, an amino acid with similar properties. This variant was reported in an individual with hypertrophic cardiomyopathy (Bos JM et al. Mayo Clin Proc, 2014 Jun;89:727-37). This amino acid position is highly conserved in available vertebrate species. In addition, this alteration is predicted to be deleterious by in silico analysis. Based on the available evidence, the clinical significance of this variant remains unclear.

Labcorp Genetics (formerly Invitae), Labcorp
Classification: Uncertain significance for Hypertrophic cardiomyopathy. Last evaluated: 2025-12-08. Review status: criteria provided, single submitter. Criteria: Invitae Variant Classification Sherloc (09022015). Collection method: clinical testing. Allele origin: germline.
Comment: This sequence change replaces glutamic acid, which is acidic and polar, with glycine, which is neutral and non-polar, at codon 1239 of the MYBPC3 protein (p.Glu1239Gly). This variant is not present in population databases (gnomAD no frequency). This missense change has been observed in individual(s) with hypertrophic cardiomyopathy (PMID: 24793961). ClinVar contains an entry for this variant (Variation ID: 427206). An algorithm developed to predict the effect of missense changes on protein structure and function (PolyPhen-2) suggests that this variant is likely to be disruptive. In summary, the available evidence is currently insufficient to determine the role of this variant in disease. Therefore, it has been classified as a Variant of Uncertain Significance.

Color Diagnostics, LLC DBA Color Health
Classification: Uncertain significance for Cardiomyopathy. Last evaluated: 2025-06-18. Review status: criteria provided, single submitter. Criteria: ACMG Guidelines, 2015. Collection method: clinical testing. Allele origin: germline.
Comment: This missense variant replaces glutamic acid with glycine at codon 1239 of the MYBPC3 protein. Computational prediction suggests that this variant may have a deleterious impact on protein structure and function. To our knowledge, functional studies have not been reported for this variant. This variant has been reported in an individual affected with hypertrophic cardiomyopathy (PMID: 24793961). This variant has not been identified in the general population by the Genome Aggregation Database (gnomAD). The available evidence is insufficient to determine the role of this variant in disease conclusively. Therefore, this variant is classified as a Variant of Uncertain Significance.

GeneDx
Classification: Uncertain significance. Last evaluated: 2024-12-21. Review status: criteria provided, single submitter. Criteria: GeneDx Variant Classification Process June 2021. Collection method: clinical testing. Allele origin: germline. Affected: yes.
Comment: Identified in patients with HCM referred for genetic testing at GeneDx and in published literature (PMID: 24793961); Not observed at significant frequency in large population cohorts (gnomAD); In silico analysis supports that this missense variant has a deleterious effect on protein structure/function; This variant is associated with the following publications: (PMID: 24793961)

All of Us Research Program, National Institutes of Health
Classification: Uncertain significance for Hypertrophic cardiomyopathy. Last evaluated: 2024-08-30. Review status: criteria provided, single submitter. Criteria: ACMG Guidelines, 2015. Collection method: clinical testing. Allele origin: germline. Inheritance: Autosomal dominant inheritance. Observed: 2 variant alleles, 2 heterozygotes.
Comment: This missense variant replaces glutamic acid with glycine at codon 1239 of the MYBPC3 protein. Computational prediction tools and conservation analyses suggest that this variant may have deleterious impact on the protein function. Computational splicing tools suggest that this variant may not impact RNA splicing. To our knowledge, functional assays have not been performed for this variant nor has this variant been reported in individuals affected with cardiovascular disorders in the literature. This variant has not been identified in the general population by the Genome Aggregation Database (gnomAD). Available evidence is insufficient to determine the role of this variant in disease conclusively. Therefore, this variant is classified as a Variant of Uncertain Significance.

This study involves interpretation of variants in research participants for the purpose of population health screening. Participant phenotype was not available at the time of variant classification. Additional details can be found in publication PMID: 35346344, PMCID: PMC8962531

Literature cited by the submitters: PubMed 24793961 (cited by 3 submitters).

NM_000256.3(MYBPC3):c.3716A>G (p.Glu1239Gly)

Gene: MYBPC3 (myosin binding protein C3; minus strand). Cytogenetic location: 11p11.2.
Variant type: single nucleotide variant.
Coding change: c.3716A>G on transcript NM_000256.3 (MANE Select); coding-DNA position 3716, A replaced by G.
Protein change: p.Glu1239Gly; replaces glutamic acid 1239 with glycine.
Molecular consequence: missense variant.
Genome position (GRCh38, 1-based): chr11:47,332,170, T>C on the plus strand (A>G on the coding strand, the complement: MYBPC3 is on the minus strand). VCF-style: chr11-47332170-T-C. GRCh37 (hg19) VCF-style: chr11-47353721-T-C.
Other names: c.3716A>G, p.Glu1239Gly (LRG_386t1); short protein forms E1239G.
Identifiers: ClinVar variation 427206 (VCV000427206.16), dbSNP rs1085308024, ClinGen allele CA380311184.